The following is an entry in ClinVar:

ClinVar aggregate classification (germline): Likely pathogenic (1 of 4 stars; one submission).

Conditions:
Epilepsy, early-onset, 3, with or without developmental delay (EPEO3). Identifiers: MedGen C5882674, MONDO:0958196, OMIM 620465.

Submission:

Institute of Human Genetics, University of Leipzig Medical Center
Classification: Likely pathogenic for Epilepsy, early-onset, 3, with or without developmental delay. Last evaluated: 2024-10-01. Review status: criteria provided, single submitter. Criteria: ACMG Guidelines, 2015. Collection method: clinical testing. Allele origin: de novo. Inheritance: Autosomal dominant inheritance. Affected: yes.
Comment: Criteria applied: PVS1_STR,PS2_MOD,PM2_SUP

NM_001694.4(ATP6V0C):c.376C>T (p.Arg126Ter)

Gene: ATP6V0C (ATPase H+ transporting V0 subunit c; plus strand). Cytogenetic location: 16p13.3.
Variant type: single nucleotide variant.
Coding change: c.376C>T on transcript NM_001694.4 (MANE Select); coding-DNA position 376, C replaced by T.
Protein change: p.Arg126Ter; replaces arginine 126 with a stop codon.
Molecular consequence: nonsense.
Genome position (GRCh38, 1-based): chr16:2,519,653, C>T. VCF-style: chr16-2519653-C-T. GRCh37 (hg19) VCF-style: chr16-2569654-C-T.
Other names: c.376C>T, p.Arg126Ter (NM_001198569.2); short protein forms R126*.
Identifiers: ClinVar variation 3358938 (VCV003358938.2).